The following is an entry in ClinVar:

ClinVar aggregate classification (germline): Uncertain significance (1 of 4 stars; one submission).

Submission:

Ambry Genetics
Classification: Uncertain significance. Last evaluated: 2022-04-11. Review status: criteria provided, single submitter. Criteria: Ambry Variant Classification Scheme 2023. Collection method: clinical testing. Allele origin: germline.
Comment: The p.I2369V variant (also known as c.7105A>G), located in coding exon 25 of the POLQ gene, results from an A to G substitution at nucleotide position 7105. The isoleucine at codon 2369 is replaced by valine, an amino acid with highly similar properties. This amino acid position is conserved. In addition, this alteration is predicted to be tolerated by in silico analysis. Since supporting evidence is limited at this time, the clinical significance of this alteration remains unclear.

NM_199420.4(POLQ):c.7105A>G (p.Ile2369Val)

Gene: POLQ (DNA polymerase theta; minus strand). Cytogenetic location: 3q13.33.
Variant type: single nucleotide variant.
Coding change: c.7105A>G on transcript NM_199420.4 (MANE Select); coding-DNA position 7105, A replaced by G.
Protein change: p.Ile2369Val; replaces isoleucine 2369 with valine.
Molecular consequence: missense variant.
Genome position (GRCh38, 1-based): chr3:121,460,097, T>C on the plus strand (A>G on the coding strand, the complement: POLQ is on the minus strand). VCF-style: chr3-121460097-T-C. GRCh37 (hg19) VCF-style: chr3-121178944-T-C.
Other names: short protein forms I2369V.
Identifiers: ClinVar variation 1757198 (VCV001757198.2), dbSNP rs2546764567, ClinGen allele CA354106876.
Genomic context (GRCh38, chr3:121,460,097, plus strand): 5'-TCACTAAAATCACCTGTTTTGCCTGCTGCCTCAGATCATCCCCAACAGACTCTGGCTCAA[T>C]CATCTTCCACTCTGCTGCAATGCTCCTGAAAACATCAGCTCCAGTGTTTAACACTTGAAT-3'
Protein context (NP_955452.3, residues 2359-2379): FRSIAAEWKM[Ile2369Val]EPESVGDDLR